The following is an entry in ClinVar:

ClinVar aggregate classification (germline): Uncertain significance. Review status: criteria provided, multiple submitters, no conflicts (2 of 4 stars). 2 submissions from 2 submitters: Uncertain significance (2). Last evaluated 2023-02-27.

Conditions:
Inborn genetic diseases. Identifiers: MedGen C0950123, MeSH D030342.
Primary ciliary dyskinesia 30. Also called: CILIARY DYSKINESIA, PRIMARY, 30, WITH OR WITHOUT SITUS INVERSUS. Identifiers: Orphanet 244, MedGen C4015016, MONDO:0014465, OMIM 616037.

Allele frequency attached by ClinVar (database versions not stated): gnomAD exomes below 0.00001; TOPMed below 0.00001; gnomAD 0.00001; ExAC 0.00004.

Submissions (2):

Ambry Genetics
Classification: Uncertain significance for Inborn genetic diseases. Last evaluated: 2023-02-27. Review status: criteria provided, single submitter. Criteria: Ambry Variant Classification Scheme 2023. Collection method: clinical testing. Allele origin: germline.

Labcorp Genetics (formerly Invitae), Labcorp
Classification: Uncertain significance for Primary ciliary dyskinesia 30. Last evaluated: 2022-09-21. Review status: criteria provided, single submitter. Criteria: Invitae Variant Classification Sherloc (09022015). Collection method: clinical testing. Allele origin: germline.
Comment: This sequence change replaces serine, which is neutral and polar, with alanine, which is neutral and non-polar, at codon 21 of the CCDC151 protein (p.Ser21Ala). This variant is present in population databases (rs763405222, gnomAD 0.04%). This variant has not been reported in the literature in individuals affected with CCDC151-related conditions. Algorithms developed to predict the effect of missense changes on protein structure and function output the following: SIFT: "Tolerated"; PolyPhen-2: "Benign"; Align-GVGD: "Class C0". The alanine amino acid residue is found in multiple mammalian species, which suggests that this missense change does not adversely affect protein function. In summary, the available evidence is currently insufficient to determine the role of this variant in disease. Therefore, it has been classified as a Variant of Uncertain Significance.

NM_145045.5(ODAD3):c.61T>G (p.Ser21Ala)

Gene: ODAD3 (outer dynein arm docking complex subunit 3; minus strand). Cytogenetic location: 19p13.2.
Variant type: single nucleotide variant.
Coding change: c.61T>G on transcript NM_145045.5 (MANE Select); coding-DNA position 61, T replaced by G.
Protein change: p.Ser21Ala; replaces serine 21 with alanine.
Molecular consequence: missense variant. On other transcripts: intron variant (1).
Genome position (GRCh38, 1-based): chr19:11,434,956, A>C on the plus strand (T>G on the coding strand, the complement: ODAD3 is on the minus strand). VCF-style: chr19-11434956-A-C. GRCh37 (hg19) VCF-style: chr19-11545777-A-C.
Other names: c.61T>G (NM_145045.4); c.61T>G, p.Ser21Ala (NM_001302454.2); c.82+734T>G (NM_001302453.1); short protein forms S21A.
Identifiers: ClinVar variation 2152128 (VCV002152128.6), dbSNP rs763405222, ClinGen allele CA9212572.